The following is an entry in ClinVar:

ClinVar aggregate classification (germline): Likely benign (0 of 4 stars; one submission).

Conditions:
PCNT-related disorder. Also called: PCNT-related condition.

Submission:

PreventionGenetics, part of Exact Sciences
Classification: Likely benign for PCNT-related condition. Last evaluated: 2024-05-22. Review status: no assertion criteria provided. Collection method: clinical testing. Allele origin: germline.
Comment: This variant is classified as likely benign based on ACMG/AMP sequence variant interpretation guidelines (Richards et al. 2015 PMID: 25741868, with internal and published modifications).

NM_006031.6(PCNT):c.1208-6T>G

Gene: PCNT (pericentrin; plus strand). Cytogenetic location: 21q22.3.
Variant type: single nucleotide variant.
Coding change: c.1208-6T>G on transcript NM_006031.6 (MANE Select); 6 bases into the intron before coding-DNA position 1208, T replaced by G.
Molecular consequence: intron variant.
Genome position (GRCh38, 1-based): chr21:46,349,678, T>G. VCF-style: chr21-46349678-T-G. GRCh37 (hg19) VCF-style: chr21-47769592-T-G.
Other names: c.854-6T>G (NM_001315529.2).
Identifiers: ClinVar variation 3346017 (VCV003346017.1).
Genomic context (GRCh38, chr21:46,349,678, plus strand): 5'-TCACTGAGGTCGCTGTTGAGGAGAGTGATGTCTTGTAAACCAAGTGCCATTGCTTTACCT[T>G]TCTAGGGGCCCTTAGGAACCTGGAGAGTCATCATCAAGCAGCCATTGAGAAGTTACGTGA-3'